The following is an entry in ClinVar:

ClinVar aggregate classification (germline): Benign/Likely benign. Review status: criteria provided, multiple submitters, no conflicts (2 of 4 stars). 3 submissions from 3 submitters: Benign (1); Likely benign (2). Last evaluated 2026-01-28.

Conditions:
Vitamin K-dependent clotting factors, combined deficiency of, type 1. Also called: FACTORS II, VII, IX, AND X, COMBINED DEFICIENCY OF; FAMILIAL MULTIPLE COAGULATION FACTOR DEFICIENCY III; FMFD III; GLUTAMIC ACID, DEFICIENT GAMMA-CARBOXYLATION OF; MULTIPLE COAGULATION FACTOR DEFICIENCY III; VITAMIN K-DEPENDENT COAGULATION DEFECT. Identifiers: Orphanet 98434, MedGen C1848534, MONDO:0010187, OMIM 277450.

Allele frequency attached by ClinVar (database versions not stated): ESP Exome Variant Server 0.00008; gnomAD 0.00018 and 0.00023; TOPMed 0.00035; ExAC 0.00102; 1000 Genomes Project 30x 0.00141; 1000 Genomes Project 0.00160.
gnomAD v4.1: 403 of 1,570,348 alleles (0.026%); highest among the groups gnomAD compares: East Asian, 0.54%; no homozygotes.

Submissions (3):

Labcorp Genetics (formerly Invitae), Labcorp
Classification: Benign. Last evaluated: 2026-01-28. Review status: criteria provided, single submitter. Criteria: Invitae Variant Classification Sherloc (09022015). Collection method: clinical testing. Allele origin: germline.

Blueprint Genetics
Classification: Likely benign. Last evaluated: 2024-10-11. Review status: criteria provided, single submitter. Criteria: ACMG Guidelines, 2015. Collection method: clinical testing. Allele origin: germline.

Illumina Laboratory Services, Illumina
Classification: Likely benign for Vitamin K-dependent clotting factors, combined deficiency of, type 1. Last evaluated: 2018-01-12. Review status: criteria provided, single submitter. Criteria: ICSL Variant Classification Criteria 13 December 2019. Collection method: clinical testing. Allele origin: germline.
Comment: This variant was observed in the ICSL laboratory as part of a predisposition screen in an ostensibly healthy population. It had not been previously curated by ICSL or reported in the Human Gene Mutation Database (HGMD: prior to June 1st, 2018), and was therefore a candidate for classification through an automated scoring system. Utilizing variant allele frequency, disease prevalence and penetrance estimates, and inheritance mode, an automated score was calculated to assess if this variant is too frequent to cause the disease. Based on the score and internal cut-off values, a variant classified as likely benign is not then subjected to further curation. The score for this variant resulted in a classification of likely benign for this disease.

NM_000821.7(GGCX):c.15C>T (p.Ala5=)

Gene: GGCX (gamma-glutamyl carboxylase; minus strand). Cytogenetic location: 2p11.2.
Variant type: single nucleotide variant.
Coding change: c.15C>T on transcript NM_000821.7 (MANE Select); coding-DNA position 15, C replaced by T.
Protein change: p.Ala5=; no amino-acid change (alanine 5 retained).
Molecular consequence: synonymous variant.
Genome position (GRCh38, 1-based): chr2:85,561,414, G>A on the plus strand (C>T on the coding strand, the complement: GGCX is on the minus strand). VCF-style: chr2-85561414-G-A. GRCh37 (hg19) VCF-style: chr2-85788537-G-A.
Other names: c.15C>T, p.Ala5= (NM_001142269.4, NM_001311312.3).
Identifiers: ClinVar variation 896547 (VCV000896547.11), dbSNP rs199867398, ClinGen allele CA1742257.
Genomic context (GRCh38, chr2:85,561,414, plus strand): 5'-CTCTCCGCCGGAGGGCGGGGTCCTAAGCCTACCTGAGCTGGGCGAGGTCCGCGCGGACCC[G>A]GCAGACACCGCCATTGCTCTGCGGAGGAGGCAGGTGGGTCACAGCTGCCGCGTCTGAACG-3'
Protein context (NP_000812.2, residues 1-15): MAVS[Ala5=]GSARTSPSSD